The following is an entry in ClinVar:

NM_014629.4(ARHGEF10):c.3797C>A (p.Ser1266Tyr)

Gene: ARHGEF10 (Rho guanine nucleotide exchange factor 10; plus strand). Cytogenetic location: 8p23.3.
Variant type: single nucleotide variant.
Coding change: c.3797C>A on transcript NM_014629.4 (MANE Select); coding-DNA position 3797, C replaced by A.
Protein change: p.Ser1266Tyr; replaces serine 1266 with tyrosine.
Molecular consequence: missense variant.
Genome position (GRCh38, 1-based): chr8:1,957,025, C>A. VCF-style: chr8-1957025-C-A. GRCh37 (hg19) VCF-style: chr8-1905191-C-A.
Other names: c.3683C>A, p.Ser1228Tyr (NM_001308152.2); c.3797C>A, p.Ser1266Tyr (NM_001308153.3); short protein forms S1228Y, S1266Y, S1290Y.
Identifiers: ClinVar variation 3612336 (VCV003612336.2).

ClinVar aggregate classification (germline): Uncertain significance (1 of 4 stars; one submission).

gnomAD v4.1: 6 of 1,614,020 alleles (0.00037%); highest among the groups gnomAD compares: Admixed American, 0.01%; no homozygotes.

Submission:

Labcorp Genetics (formerly Invitae), Labcorp
Classification: Uncertain significance. Last evaluated: 2025-01-10. Review status: criteria provided, single submitter. Criteria: Invitae Variant Classification Sherloc (09022015). Collection method: clinical testing. Allele origin: germline.
Comment: This sequence change replaces serine, which is neutral and polar, with tyrosine, which is neutral and polar, at codon 1266 of the ARHGEF10 protein (p.Ser1266Tyr). This variant is present in population databases (rs748190585, gnomAD 0.01%). This variant has not been reported in the literature in individuals affected with ARHGEF10-related conditions. Invitae Evidence Modeling of protein sequence and biophysical properties (such as structural, functional, and spatial information, amino acid conservation, physicochemical variation, residue mobility, and thermodynamic stability) indicates that this missense variant is not expected to disrupt ARHGEF10 protein function with a negative predictive value of 80%. In summary, the available evidence is currently insufficient to determine the role of this variant in disease. Therefore, it has been classified as a Variant of Uncertain Significance.